The following is an entry in ClinVar:

ClinVar aggregate classification (germline): Pathogenic/Likely pathogenic. Review status: criteria provided, multiple submitters, no conflicts (2 of 4 stars). 2 submissions from 2 submitters: Pathogenic (1); Likely pathogenic (1). Last evaluated 2024-01-12.

Conditions:
Tall stature-scoliosis-macrodactyly of the great toes syndrome. Also called: Epiphyseal chondrodysplasia, miura type. Identifiers: Orphanet 329191, MedGen C4014690, MONDO:0014401, OMIM 615923.
Acromesomelic dysplasia 1, Maroteaux type (AMD1). Also called: ST. HELENA DYSPLASIA; ACROMESOMELIC DYSPLASIA 1. Identifiers: Orphanet 40, MedGen C1864356, MONDO:0011275, OMIM 602875.

Allele frequency attached by ClinVar (database versions not stated): gnomAD exomes below 0.00001; ExAC 0.00001; gnomAD 0.00001.
gnomAD v4.1: 6 of 1,614,042 alleles (0.00037%); highest among the groups gnomAD compares: Admixed American, 0.0017%; no homozygotes.

Submissions (2):

Labcorp Genetics (formerly Invitae), Labcorp
Classification: Pathogenic for Tall stature-scoliosis-macrodactyly of the great toes syndrome; Acromesomelic dysplasia 1, Maroteaux type. Last evaluated: 2024-01-12. Review status: criteria provided, single submitter. Criteria: Invitae Variant Classification Sherloc (09022015). Collection method: clinical testing. Allele origin: germline.
Comment: This sequence change replaces arginine, which is basic and polar, with tryptophan, which is neutral and slightly polar, at codon 749 of the NPR2 protein (p.Arg749Trp). This variant is present in population databases (rs61758531, gnomAD 0.003%). This missense change has been observed in individual(s) with autosomal recessive acromesomelic dysplasia, Maroteaux type (PMID: 25959430). It has also been observed to segregate with disease in related individuals. ClinVar contains an entry for this variant (Variation ID: 1333327). Advanced modeling of protein sequence and biophysical properties (such as structural, functional, and spatial information, amino acid conservation, physicochemical variation, residue mobility, and thermodynamic stability) performed at Invitae indicates that this missense variant is expected to disrupt NPR2 protein function with a positive predictive value of 80%. For these reasons, this variant has been classified as Pathogenic.

3billion
Classification: Likely pathogenic for Acromesomelic dysplasia 1, Maroteaux type. Last evaluated: 2022-01-03. Review status: criteria provided, single submitter. Criteria: ACMG Guidelines, 2015. Collection method: clinical testing. Allele origin: germline. Affected: yes. Observed: 1 homozygote.
Comment: Same nucleotide change resulting in same amino acid change has been previously reported to be associated with NPR2 related disorder (PMID:25959430, PS1_P). The variant was co-segregated with Acromesomelic dysplasia, Maroteaux type in multiple affected family members (PMID: 25959430, PP1_P). In silico tool predictions suggest damaging effect of the variant on gene or gene product (REVEL: 0.751, PP3_P). It is observed at an extremely low frequency in the gnomAD v2.1.1 dataset (total allele frequency: 0.000004, PM2_M). Therefore, this variant is classified as likely pathogenic according to the recommendation of ACMG/AMP guideline.

Literature cited by the submitters: PubMed 25959430 (cited by Labcorp Genetics (formerly Invitae), Labcorp and 3billion).

NM_003995.4(NPR2):c.2245C>T (p.Arg749Trp)

Gene: NPR2 (natriuretic peptide receptor 2; plus strand). Cytogenetic location: 9p13.3.
Variant type: single nucleotide variant.
Coding change: c.2245C>T on transcript NM_003995.4 (MANE Select); coding-DNA position 2245, C replaced by T.
Protein change: p.Arg749Trp; replaces arginine 749 with tryptophan.
Molecular consequence: missense variant.
Genome position (GRCh38, 1-based): chr9:35,806,106, C>T. VCF-style: chr9-35806106-C-T. GRCh37 (hg19) VCF-style: chr9-35806103-C-T.
Other names: c.2254C>T, p.Arg752Trp (NM_001378923.1); short protein forms R749W, R752W.
Identifiers: ClinVar variation 1333327 (VCV001333327.7), dbSNP rs61758531, ClinGen allele CA5051920.